The following is an entry in ClinVar:

NM_004187.5(KDM5C):c.1565C>T (p.Ser522Phe)

Gene: KDM5C (lysine demethylase 5C; minus strand). Cytogenetic location: Xp11.22.
Variant type: single nucleotide variant.
Coding change: c.1565C>T on transcript NM_004187.5 (MANE Select); coding-DNA position 1565, C replaced by T.
Protein change: p.Ser522Phe; replaces serine 522 with phenylalanine.
Molecular consequence: missense variant. On other transcripts: non-coding transcript variant (3).
Genome position (GRCh38, 1-based): chrX:53,210,694, G>A on the plus strand (C>T on the coding strand, the complement: KDM5C is on the minus strand). VCF-style: chrX-53210694-G-A. GRCh37 (hg19) VCF-style: chrX-53239876-G-A.
Other names: c.1364C>T, p.Ser455Phe (NM_001146702.2); c.1562C>T, p.Ser521Phe (NM_001282622.3, NM_001353979.2, NM_001353982.2); c.1565C>T, p.Ser522Phe (NM_001353978.3, NM_001353981.2, NM_001353984.2); short protein forms S455F, S521F, S522F.
Identifiers: ClinVar variation 1335879 (VCV001335879.6), dbSNP rs2146915737, ClinGen allele CA413128219.

ClinVar aggregate classification (germline): Likely pathogenic (1 of 4 stars; one submission).

Conditions:
Intellectual developmental disorder, X-linked, syndromic, Claes-Jensen type. Also called: INTELLECTUAL DEVELOPMENTAL DISORDER, X-LINKED, SYNDROMIC 16; MENTAL RETARDATION, X-LINKED, SYNDROMIC 16; Syndromic X-linked intellectual disability Claes-Jensen type. Identifiers: Orphanet 85279, MedGen C1845243, MONDO:0010355, OMIM 300534.

Submission:

GeneDx
Classification: Likely pathogenic. Last evaluated: 2022-06-08. Review status: criteria provided, single submitter. Criteria: GeneDx Variant Classification Process June 2021. Collection method: clinical testing. Allele origin: germline. Affected: yes.
Comment: Not observed at significant frequency in large population cohorts (gnomAD); In silico analysis supports that this missense variant has a deleterious effect on protein structure/function; This variant is associated with the following publications: (PMID: 33306820)